The following is an entry in ClinVar:

ClinVar aggregate classification (germline): Likely pathogenic. Review status: criteria provided, multiple submitters, no conflicts (2 of 4 stars). 2 submissions from 2 submitters: Likely pathogenic (2). Last evaluated 2026-03-27.

gnomAD v4.1: 2 of 1,608,660 alleles (0.00012%); highest among the groups gnomAD compares: Non-Finnish European, 0.00017%; no homozygotes.

Submissions (2):

GeneDx
Classification: Likely pathogenic. Last evaluated: 2026-03-27. Review status: criteria provided, single submitter. Criteria: GeneDx Variant Classification Process June 2021. Collection method: clinical testing. Allele origin: germline.
Comment: Damages or destroys the splice acceptor site in intron 29, and is expected to cause abnormal gene splicing; if the splice outcome is exon skip, the loss of the encoded residues in the triple helical region is expected to disrupt normal protein folding and function (HGMD; PMID: 25240749); Not observed at significant frequency in large population cohorts (gnomAD); Has not been previously published as pathogenic or benign to our knowledge; This variant is associated with the following publications: (PMID: 25240749)

Labcorp Genetics (formerly Invitae), Labcorp
Classification: Likely pathogenic. Last evaluated: 2024-11-19. Review status: criteria provided, single submitter. Criteria: Invitae Variant Classification Sherloc (09022015). Collection method: clinical testing. Allele origin: germline.
Comment: This sequence change affects an acceptor splice site in intron 29 of the COL11A1 gene. It is expected to disrupt RNA splicing. Variants that disrupt the donor or acceptor splice site typically lead to a loss of protein function (PMID: 16199547), and loss-of-function variants in COL11A1 are known to be pathogenic (PMID: 20513134, 21035103, 23922384, 25240749, 32427345, 32756486). This variant is not present in population databases (gnomAD no frequency). This variant has not been reported in the literature in individuals affected with COL11A1-related conditions. Algorithms developed to predict the effect of sequence changes on RNA splicing suggest that this variant may disrupt the consensus splice site. In summary, the currently available evidence indicates that the variant is pathogenic, but additional data are needed to prove that conclusively. Therefore, this variant has been classified as Likely Pathogenic.

Literature cited by the submitters: PubMed 16199547 (cited by Labcorp Genetics (formerly Invitae), Labcorp); PubMed 20513134 (cited by Labcorp Genetics (formerly Invitae), Labcorp); PubMed 21035103 (cited by Labcorp Genetics (formerly Invitae), Labcorp); PubMed 23922384 (cited by Labcorp Genetics (formerly Invitae), Labcorp); PubMed 25240749 (cited by Labcorp Genetics (formerly Invitae), Labcorp); PubMed 32427345 (cited by Labcorp Genetics (formerly Invitae), Labcorp); PubMed 32756486 (cited by Labcorp Genetics (formerly Invitae), Labcorp).

NM_001854.4(COL11A1):c.2395-2A>G

Gene: COL11A1 (collagen type XI alpha 1 chain; minus strand). Cytogenetic location: 1p21.1.
Variant type: single nucleotide variant.
Coding change: c.2395-2A>G on transcript NM_001854.4 (MANE Select); the canonical splice acceptor site of the intron before coding-DNA position 2395, A replaced by G.
Molecular consequence: splice acceptor variant.
Genome position (GRCh38, 1-based): chr1:102,987,742, T>C on the plus strand (A>G on the coding strand, the complement: COL11A1 is on the minus strand). VCF-style: chr1-102987742-T-C. GRCh37 (hg19) VCF-style: chr1-103453298-T-C.
Other names: c.2278-2A>G (NM_001190709.2); c.2431-2A>G (NM_080629.3); c.2047-2A>G (NM_080630.4).
Identifiers: ClinVar variation 3667684 (VCV003667684.3).
Genomic context (GRCh38, chr1:102,987,742, plus strand): 5'-CGACCTTTGGGTCCTTCAGGGCCATCTTCCCCTCTTGGGCCAATTTGACCAACTTCTCCC[T>C]GAGGCACAGAATAACAACATTCTTATGAGTGAAACGTCCTTTACAAAAATTGTAACAGGG-3'